The following is an entry in ClinVar:

NM_005896.4(IDH1):c.311G>A (p.Gly104Asp)

Gene: IDH1 (isocitrate dehydrogenase (NADP(+)) 1; minus strand). Cytogenetic location: 2q34.
Variant type: single nucleotide variant.
Coding change: c.311G>A on transcript NM_005896.4 (MANE Select); coding-DNA position 311, G replaced by A.
Protein change: p.Gly104Asp; replaces glycine 104 with aspartic acid.
Molecular consequence: missense variant.
Genome position (GRCh38, 1-based): chr2:208,248,472, C>T on the plus strand (G>A on the coding strand, the complement: IDH1 is on the minus strand). VCF-style: chr2-208248472-C-T. GRCh37 (hg19) VCF-style: chr2-209113196-C-T.
Other names: c.311G>A, p.Gly104Asp (NM_001282386.1, NM_001282387.1); short protein forms G104D.
Identifiers: ClinVar variation 3285241 (VCV003285241.1).

ClinVar aggregate classification (germline): Uncertain significance (1 of 4 stars; one submission).

Submission:

Ambry Genetics
Classification: Uncertain significance. Last evaluated: 2024-05-03. Review status: criteria provided, single submitter. Criteria: Ambry Variant Classification Scheme 2023. Collection method: clinical testing. Allele origin: germline.
Comment: The p.G104D variant (also known as c.311G>A), located in coding exon 2 of the IDH1 gene, results from a G to A substitution at nucleotide position 311. The glycine at codon 104 is replaced by aspartic acid, an amino acid with similar properties. This amino acid position is conserved. In addition, this alteration is predicted to be deleterious by in silico analysis. Based on the available evidence, the clinical significance of this variant remains unclear.